The following is an entry in ClinVar:

NM_005228.5(EGFR):c.29C>G (p.Ala10Gly)

Gene: EGFR (epidermal growth factor receptor; plus strand). Cytogenetic location: 7p11.2.
Variant type: single nucleotide variant.
Coding change: c.29C>G on transcript NM_005228.5 (MANE Select); coding-DNA position 29, C replaced by G.
Protein change: p.Ala10Gly; replaces alanine 10 with glycine.
Molecular consequence: missense variant.
Genome position (GRCh38, 1-based): chr7:55,019,306, C>G. VCF-style: chr7-55019306-C-G. GRCh37 (hg19) VCF-style: chr7-55086999-C-G.
Other names: c.29C>G, p.Ala10Gly (NM_001346897.2, NM_001346898.2, NM_001346899.2 and 4 more transcripts); short protein forms A10G.
Identifiers: ClinVar variation 934408 (VCV000934408.9), dbSNP rs1217714114, ClinGen allele CA367611210.
Genomic context (GRCh38, chr7:55,019,306, plus strand): 5'-GAGAGCCGGAGCGAGCTCTTCGGGGAGCAGCGATGCGACCCTCCGGGACGGCCGGGGCAG[C>G]GCTCCTGGCGCTGCTGGCTGCGCTCTGCCCGGCGAGTCGGGCTCTGGAGGAAAAGAAAGG-3'
Protein context (NP_005219.2, residues 1-20): MRPSGTAGA[Ala10Gly]LLALLAALCP

ClinVar aggregate classification (germline): Uncertain significance (1 of 4 stars; one submission).

Conditions:
EGFR-related lung cancer (EGFR). Identifiers: MedGen CN130014.

Submission:

Labcorp Genetics (formerly Invitae), Labcorp
Classification: Uncertain significance for EGFR-related lung cancer. Last evaluated: 2019-10-09. Review status: criteria provided, single submitter. Criteria: Invitae Variant Classification Sherloc (09022015). Collection method: clinical testing. Allele origin: germline.
Comment: Algorithms developed to predict the effect of missense changes on protein structure and function (SIFT, PolyPhen-2, Align-GVGD) all suggest that this variant is likely to be tolerated, but these predictions have not been confirmed by published functional studies and their clinical significance is uncertain. This variant has not been reported in the literature in individuals with EGFR-related conditions. This variant is not present in population databases (ExAC no frequency). This sequence change replaces alanine with glycine at codon 10 of the EGFR protein (p.Ala10Gly). The alanine residue is weakly conserved and there is a small physicochemical difference between alanine and glycine. In summary, the available evidence is currently insufficient to determine the role of this variant in disease. Therefore, it has been classified as a Variant of Uncertain Significance.